The following is an entry in ClinVar:

NM_139276.3(STAT3):c.209G>A (p.Arg70His)

Gene: STAT3 (signal transducer and activator of transcription 3; minus strand). Cytogenetic location: 17q21.2.
Variant type: single nucleotide variant.
Coding change: c.209G>A on transcript NM_139276.3 (MANE Select); coding-DNA position 209, G replaced by A.
Protein change: p.Arg70His; replaces arginine 70 with histidine.
Molecular consequence: missense variant.
Genome position (GRCh38, 1-based): chr17:42,346,633, C>T on the plus strand (G>A on the coding strand, the complement: STAT3 is on the minus strand). VCF-style: chr17-42346633-C-T. GRCh37 (hg19) VCF-style: chr17-40498651-C-T.
Other names: c.209G>A, p.Arg70His (NM_001369512.1, NM_001369513.1, NM_001369514.1 and 17 more transcripts); short protein forms R70H.
Identifiers: ClinVar variation 1419780 (VCV001419780.8), dbSNP rs2144992163, ClinGen allele CA399596964.

ClinVar aggregate classification (germline): Uncertain significance (1 of 4 stars; one submission).

Conditions:
Hyper-IgE recurrent infection syndrome 1, autosomal dominant. Also called: JOB SYNDROME; STAT3 Hyper IgE Syndrome; HYPER-IgE SYNDROME 1, AUTOSOMAL DOMINANT, WITH RECURRENT INFECTIONS; Hyper-IgE recurrent infection syndrome 1; Job's Syndrome. Identifiers: Orphanet 2314, MedGen C2936739, MONDO:0007818, OMIM 147060.
STAT3 gain of function. Identifiers: MedGen C4288261.

Allele frequency attached by ClinVar (database versions not stated): gnomAD exomes below 0.00001.

Submission:

Labcorp Genetics (formerly Invitae), Labcorp
Classification: Uncertain significance for STAT3 gain of function; Hyper-IgE recurrent infection syndrome 1, autosomal dominant. Last evaluated: 2020-10-30. Review status: criteria provided, single submitter. Criteria: Invitae Variant Classification Sherloc (09022015). Collection method: clinical testing. Allele origin: germline.
Comment: In summary, the available evidence is currently insufficient to determine the role of this variant in disease. Therefore, it has been classified as a Variant of Uncertain Significance. Algorithms developed to predict the effect of missense changes on protein structure and function are either unavailable or do not agree on the potential impact of this missense change (SIFT: "Tolerated"; PolyPhen-2: "Probably Damaging"; Align-GVGD: "Class C0"). This variant has not been reported in the literature in individuals with STAT3-related conditions. This variant is not present in population databases (ExAC no frequency). This sequence change replaces arginine with histidine at codon 70 of the STAT3 protein (p.Arg70His). The arginine residue is moderately conserved and there is a small physicochemical difference between arginine and histidine.